The following is an entry in ClinVar:

NM_016507.4(CDK12):c.1376A>G (p.Asp459Gly)

Gene: CDK12 (cyclin dependent kinase 12; plus strand). Cytogenetic location: 17q12.
Variant type: single nucleotide variant.
Coding change: c.1376A>G on transcript NM_016507.4 (MANE Select); coding-DNA position 1376, A replaced by G.
Protein change: p.Asp459Gly; replaces aspartic acid 459 with glycine.
Molecular consequence: missense variant.
Genome position (GRCh38, 1-based): chr17:39,471,208, A>G. VCF-style: chr17-39471208-A-G. GRCh37 (hg19) VCF-style: chr17-37627461-A-G.
Other names: c.1376A>G, p.Asp459Gly (NM_015083.4); short protein forms D459G.
Identifiers: ClinVar variation 3830739 (VCV003830739.1).

ClinVar aggregate classification (germline): Uncertain significance (1 of 4 stars; one submission).

gnomAD v4.1: 1 of 1,590,590 alleles (0.000063%); highest among the groups gnomAD compares: African/African-American, 0.0014%; no homozygotes.

Submission:

Ambry Genetics
Classification: Uncertain significance. Last evaluated: 2025-03-02. Review status: criteria provided, single submitter. Criteria: Ambry Variant Classification Scheme 2023. Collection method: clinical testing. Allele origin: germline.
Comment: The p.D459G variant (also known as c.1376A>G), located in coding exon 2 of the CDK12 gene, results from an A to G substitution at nucleotide position 1376. The aspartic acid at codon 459 is replaced by glycine, an amino acid with similar properties. This amino acid position is conserved. In addition, this alteration is predicted to be tolerated by in silico analysis. Based on the available evidence, the clinical significance of this variant remains unclear.